The following is an entry in ClinVar:

NM_001040108.2(MLH3):c.3828-5T>C

Gene: MLH3 (mutL homolog 3; minus strand). Cytogenetic location: 14q24.3.
Variant type: single nucleotide variant.
Coding change: c.3828-5T>C on transcript NM_001040108.2 (MANE Select); 5 bases into the intron before coding-DNA position 3828, T replaced by C.
Molecular consequence: intron variant.
Genome position (GRCh38, 1-based): chr14:75,030,707, A>G on the plus strand (T>C on the coding strand, the complement: MLH3 is on the minus strand). VCF-style: chr14-75030707-A-G. GRCh37 (hg19) VCF-style: chr14-75497410-A-G.
Other names: c.3756-5T>C (NM_014381.3).
Identifiers: ClinVar variation 1735312 (VCV001735312.6), dbSNP rs2139388180, ClinGen allele CA390423546.

ClinVar aggregate classification (germline): Conflicting classifications of pathogenicity. Review status: criteria provided, conflicting classifications (1 of 4 stars). 3 submissions from 3 submitters: Uncertain significance (1); Likely benign (2). Last evaluated 2026-04-28.

Conditions:
Colorectal cancer, hereditary nonpolyposis, type 7. Identifiers: Orphanet 144, MedGen C1858380, MONDO:0013725, OMIM 614385.

Allele frequency attached by ClinVar (database versions not stated): gnomAD exomes below 0.00001.
gnomAD v4.1: 2 of 1,612,732 alleles (0.00012%); highest among the groups gnomAD compares: Non-Finnish European, 0.00017%; no homozygotes.

Submissions (3):

Myriad Genetics, Inc.
Classification: Likely benign for Colorectal cancer, hereditary nonpolyposis, type 7. Last evaluated: 2026-04-28. Review status: criteria provided, single submitter. Criteria: Myriad Autosomal Dominant, Autosomal Recessive and X-Linked Classification Criteria (2023). Collection method: clinical testing. Allele origin: unknown.
Comment: This variant is considered likely benign. This variant is intronic and is not expected to impact mRNA splicing.

Ambry Genetics
Classification: Uncertain significance. Last evaluated: 2025-05-13. Review status: criteria provided, single submitter. Criteria: Ambry Variant Classification Scheme 2023. Collection method: clinical testing. Allele origin: germline.
Comment: The c.3828-5T>C intronic variant results from a T to C substitution 5 nucleotides upstream from coding exon 8 in the MLH3 gene. This nucleotide position is well conserved in available vertebrate species. In silico splice site analysis for this alteration is inconclusive. The evidence for this gene-disease relationship is limited; therefore, the clinical significance of this alteration is unclear.

Labcorp Genetics (formerly Invitae), Labcorp
Classification: Likely benign for Colorectal cancer, hereditary nonpolyposis, type 7. Last evaluated: 2024-06-24. Review status: criteria provided, single submitter. Criteria: Invitae Variant Classification Sherloc (09022015). Collection method: clinical testing. Allele origin: germline.